The following is an entry in ClinVar:

ClinVar aggregate classification (germline): Benign. Review status: criteria provided, multiple submitters, no conflicts (2 of 4 stars). 2 submissions from 2 submitters: Benign (2). Last evaluated 2018-06-14.

Allele frequency attached by ClinVar (database versions not stated): gnomAD 0.05915 and 0.05953; TOPMed 0.06618; 1000 Genomes Project 0.10224; gnomAD exomes 0.01642; 1000 Genomes Project 30x 0.10384.
gnomAD v4.1: 21,471 of 886,368 alleles (2.4%); highest among the groups gnomAD compares: East Asian, 22%; 1,011 homozygotes.

Submissions (2):

GeneDx
Classification: Benign. Last evaluated: 2018-06-14. Review status: criteria provided, single submitter. Criteria: GeneDx Variant Classification (06012015). Collection method: clinical testing. Allele origin: germline. Affected: yes.
Comment: This variant is considered likely benign or benign based on one or more of the following criteria: it is a conservative change, it occurs at a poorly conserved position in the protein, it is predicted to be benign by multiple in silico algorithms, and/or has population frequency not consistent with disease.

Breakthrough Genomics
Classification: Benign. Review status: criteria provided, single submitter. Criteria: ACMG Guidelines, 2015. Collection method: not provided. Allele origin: germline. Inheritance: Autosomal dominant inheritance. Affected: yes.

NM_003244.2(TGIF1):c.-2527A>G

Gene: TGIF1 (TGFB induced factor homeobox 1; plus strand). Cytogenetic location: 18p11.31.
Variant type: single nucleotide variant.
Coding change: c.-2527A>G on transcript NM_003244.2; 2527 bases upstream of the start codon, A replaced by G.
Molecular consequence: intron variant (on NM_174886.3).
Genome position (GRCh38, 1-based): chr18:3,447,963, A>G. VCF-style: chr18-3447963-A-G. GRCh37 (hg19) VCF-style: chr18-3447961-A-G.
Other names: c.-44-8391A>G (NM_174886.3, NM_001278686.3); c.58+166A>G (NM_173207.4).
Identifiers: ClinVar variation 672771 (VCV000672771.4), dbSNP rs80144693, ClinGen allele CA295560655.